The following is an entry in ClinVar:

NM_014319.5(LEMD3):c.241C>T (p.Pro81Ser)

Gene: LEMD3 (LEM domain containing 3; plus strand). Cytogenetic location: 12q14.3.
Variant type: single nucleotide variant.
Coding change: c.241C>T on transcript NM_014319.5 (MANE Select); coding-DNA position 241, C replaced by T.
Protein change: p.Pro81Ser; replaces proline 81 with serine.
Molecular consequence: missense variant.
Genome position (GRCh38, 1-based): chr12:65,169,837, C>T. VCF-style: chr12-65169837-C-T. GRCh37 (hg19) VCF-style: chr12-65563617-C-T.
Other names: c.241C>T, p.Pro81Ser (NM_001167614.2); short protein forms P81S.
Identifiers: ClinVar variation 4747816 (VCV004747816.1).

ClinVar aggregate classification (germline): Uncertain significance (1 of 4 stars; one submission).

gnomAD v4.1: 21 of 1,464,638 alleles (0.0014%); highest among the groups gnomAD compares: Middle Eastern, 0.019%; no homozygotes.

Submission:

Labcorp Genetics (formerly Invitae), Labcorp
Classification: Uncertain significance. Last evaluated: 2025-10-14. Review status: criteria provided, single submitter. Criteria: Invitae Variant Classification Sherloc (09022015). Collection method: clinical testing. Allele origin: germline.
Comment: This sequence change replaces proline, which is neutral and non-polar, with serine, which is neutral and polar, at codon 81 of the LEMD3 protein (p.Pro81Ser). This variant is present in population databases (no rsID available, gnomAD 0.03%). This variant has not been reported in the literature in individuals affected with LEMD3-related conditions. An algorithm developed to predict the effect of missense changes on protein structure and function (PolyPhen-2) suggests that this variant is likely to be tolerated. In summary, the available evidence is currently insufficient to determine the role of this variant in disease. Therefore, it has been classified as a Variant of Uncertain Significance.